The following is an entry in ClinVar:

ClinVar aggregate classification (germline): Uncertain significance (1 of 4 stars; one submission).

Conditions:
MRAP2-related disorder. Also called: MRAP2-related condition.

Submission:

PreventionGenetics, part of Exact Sciences
Classification: Uncertain significance for MRAP2-related condition. Last evaluated: 2025-04-23. Review status: criteria provided, single submitter. Criteria: ACMG Guidelines, 2015. Collection method: clinical testing. Allele origin: germline.
Comment: The MRAP2 c.560C>G variant is predicted to result in the amino acid substitution p.Pro187Arg. To our knowledge, this variant has not been reported in the literature or in a large population database (gnomAD), indicating this variant is rare. At this time, the clinical significance of this variant is uncertain due to the absence of conclusive functional and genetic evidence.

NM_138409.4(MRAP2):c.560C>G (p.Pro187Arg)

Gene: MRAP2 (melanocortin 2 receptor accessory protein 2; plus strand). Cytogenetic location: 6q14.2.
Variant type: single nucleotide variant.
Coding change: c.560C>G on transcript NM_138409.4 (MANE Select); coding-DNA position 560, C replaced by G.
Protein change: p.Pro187Arg; replaces proline 187 with arginine.
Molecular consequence: missense variant.
Genome position (GRCh38, 1-based): chr6:84,089,423, C>G. VCF-style: chr6-84089423-C-G. GRCh37 (hg19) VCF-style: chr6-84799142-C-G.
Other names: c.302C>G, p.Pro101Arg (NM_001346541.2); c.560C>G, p.Pro187Arg (NM_001346542.2, NM_001346544.2); c.395C>G, p.Pro132Arg (NM_001346543.2); short protein forms P101R, P132R, P187R.
Identifiers: ClinVar variation 3349938 (VCV003349938.2).